The following is an entry in ClinVar:

NM_001044385.3(TMEM237):c.42+729C>G

Genes: TMEM237 (transmembrane protein 237; minus strand), LOC129935416 (ATAC-STARR-seq lymphoblastoid silent region 12234; plus strand). Cytogenetic location: 2q33.1.
Variant type: single nucleotide variant.
Coding change: c.42+729C>G on transcript NM_001044385.3 (MANE Select); 729 bases into the intron after coding-DNA position 42, C replaced by G.
Molecular consequence: intron variant. On other transcripts: 5 prime UTR variant (1).
Genome position (GRCh38, 1-based): chr2:201,642,630, G>C on the plus strand (C>G on the coding strand, the complement: TMEM237 is on the minus strand). VCF-style: chr2-201642630-G-C. GRCh37 (hg19) VCF-style: chr2-202507353-G-C.
Other names: c.-4C>G (NM_152388.4).
Identifiers: ClinVar variation 137672 (VCV000137672.4), dbSNP rs2241133, ClinGen allele CA291329.

ClinVar aggregate classification (germline): Benign. Review status: criteria provided, multiple submitters, no conflicts (2 of 4 stars). 4 submissions from 4 submitters: Benign (4). Last evaluated 2024-11-26.

Allele frequency attached by ClinVar (database versions not stated): gnomAD exomes 0.04735; ExAC 0.05346; ESP Exome Variant Server 0.06435; gnomAD 0.07489 and 0.07539; TOPMed 0.07717; 1000 Genomes Project 30x 0.10806; 1000 Genomes Project 0.11142.
gnomAD v4.1: 52,604 of 1,608,188 alleles (3.3%); highest among the groups gnomAD compares: East Asian, 25%; 3,101 homozygotes.

Submissions (4):

Blueprint Genetics
Classification: Benign. Last evaluated: 2024-11-26. Review status: criteria provided, single submitter. Criteria: ACMG Guidelines, 2015. Collection method: clinical testing. Allele origin: germline.

PreventionGenetics, part of Exact Sciences
Classification: Benign. Last evaluated: 2016-02-08. Review status: criteria provided, single submitter. Criteria: ACMG Guidelines, 2015. Collection method: clinical testing. Allele origin: germline.

GeneDx
Classification: Benign. Last evaluated: 2014-04-15. Review status: criteria provided, single submitter. Criteria: GeneDx Variant Classification (06012015). Collection method: clinical testing. Allele origin: germline. Affected: yes.
Comment: This variant is considered likely benign or benign based on one or more of the following criteria: it is a conservative change, it occurs at a poorly conserved position in the protein, it is predicted to be benign by multiple in silico algorithms, and/or has population frequency not consistent with disease.

Breakthrough Genomics
Classification: Benign. Review status: criteria provided, single submitter. Criteria: ACMG Guidelines, 2015. Collection method: not provided. Allele origin: germline. Inheritance: Autosomal recessive inheritance. Affected: yes.